The following is an entry in ClinVar:

NM_024642.5(GALNT12):c.136_139delinsAGAA (p.Gly46_Ala47delinsArgThr)

Gene: GALNT12 (polypeptide N-acetylgalactosaminyltransferase 12; plus strand). Cytogenetic location: 9q22.33.
Variant type: Indel.
Coding change: c.136_139delinsAGAA on transcript NM_024642.5 (MANE Select); coding-DNA positions 136 to 139, GGGG replaced by AGAA.
Protein change: p.Gly46_Ala47delinsArgThr.
Molecular consequence: missense variant.
Genome position (GRCh38, 1-based): chr9:98,807,834-98,807,837, GGGG replaced by AGAA. VCF-style: chr9-98807834-GGGG-AGAA. GRCh37 (hg19) VCF-style: chr9-101570116-GGGG-AGAA.
Identifiers: ClinVar variation 2566249 (VCV002566249.2), dbSNP rs2490455310, ClinGen allele CA2580616258.

ClinVar aggregate classification (germline): Uncertain significance (1 of 4 stars; one submission).

Submission:

Ambry Genetics
Classification: Uncertain significance. Last evaluated: 2023-04-25. Review status: criteria provided, single submitter. Criteria: Ambry Variant Classification Scheme 2023. Collection method: clinical testing. Allele origin: germline.
Comment: The c.136_139delGGGGinsAGAA variant (also known as p.G46_A47delinsRT), located in coding exon 1 of the GALNT12 gene, results from an in-frame deletion of GGGG and insertion of AGAA at nucleotide positions 136 to 139. This results in the substitution of glycine and alanine residues for an arginine and threonine residue at codon 46 and 47. This amino acid region is poorly conserved in available vertebrate species. In addition, this alteration is predicted to be neutral by in silico analysis (Choi Y et al. PLoS ONE. 2012; 7(10):e46688).The evidence for this gene-disease relationship is limited; therefore, the clinical significance of this alteration is unclear.